The following is an entry in ClinVar:

NM_001486.4(GCKR):c.421G>A (p.Gly141Ser)

Gene: GCKR (glucokinase regulator; plus strand). Cytogenetic location: 2p23.3.
Variant type: single nucleotide variant.
Coding change: c.421G>A on transcript NM_001486.4 (MANE Select); coding-DNA position 421, G replaced by A.
Protein change: p.Gly141Ser; replaces glycine 141 with serine.
Molecular consequence: missense variant.
Genome position (GRCh38, 1-based): chr2:27,498,790, G>A. VCF-style: chr2-27498790-G-A. GRCh37 (hg19) VCF-style: chr2-27721657-G-A.
Other names: short protein forms G141S.
Identifiers: ClinVar variation 3603599 (VCV003603599.2).

ClinVar aggregate classification (germline): Uncertain significance (1 of 4 stars; one submission).

gnomAD v4.1: 23 of 1,593,878 alleles (0.0014%); highest among the groups gnomAD compares: South Asian, 0.0033%; no homozygotes.

Submission:

Labcorp Genetics (formerly Invitae), Labcorp
Classification: Uncertain significance. Last evaluated: 2024-09-18. Review status: criteria provided, single submitter. Criteria: Invitae Variant Classification Sherloc (09022015). Collection method: clinical testing. Allele origin: germline.
Comment: This sequence change replaces glycine, which is neutral and non-polar, with serine, which is neutral and polar, at codon 141 of the GCKR protein (p.Gly141Ser). This variant is present in population databases (rs767120253, gnomAD 0.004%). This missense change has been observed in individual(s) with suspected genetic dyslipidemia (PMID: 36325899). Invitae Evidence Modeling of protein sequence and biophysical properties (such as structural, functional, and spatial information, amino acid conservation, physicochemical variation, residue mobility, and thermodynamic stability) indicates that this missense variant is expected to disrupt GCKR protein function with a positive predictive value of 80%. In summary, the available evidence is currently insufficient to determine the role of this variant in disease. Therefore, it has been classified as a Variant of Uncertain Significance.

Literature cited by the submitters: PubMed 36325899.